The following is an entry in ClinVar:

ClinVar aggregate classification (germline): Likely benign. Review status: criteria provided, multiple submitters, no conflicts (2 of 4 stars). 3 submissions from 3 submitters: Likely benign (2). 1 of the submissions does not count toward it. Last evaluated 2025-11-17.

Conditions:
LYST-related disorder. Also called: LYST-related condition.
Chédiak-Higashi syndrome (CHS). Also called: Chediak-Higashi Syndrome. Identifiers: Orphanet 167, MedGen C0007965, MONDO:0008963, OMIM 214500.

Allele frequency attached by ClinVar (database versions not stated): TOPMed 0.00006; ExAC 0.00016.
gnomAD v4.1: 166 of 1,613,918 alleles (0.01%); highest among the groups gnomAD compares: Middle Eastern, 0.016%; no homozygotes.

Submissions (3):

Labcorp Genetics (formerly Invitae), Labcorp
Classification: Likely benign for Chédiak-Higashi syndrome. Last evaluated: 2025-11-17. Review status: criteria provided, single submitter. Criteria: Invitae Variant Classification Sherloc (09022015). Collection method: clinical testing. Allele origin: germline.

Blueprint Genetics
Classification: Likely benign. Last evaluated: 2024-01-11. Review status: criteria provided, single submitter. Criteria: ACMG Guidelines, 2015. Collection method: clinical testing. Allele origin: germline.

PreventionGenetics, part of Exact Sciences
Classification: Likely benign for LYST-related condition. Last evaluated: 2022-10-04. Review status: no assertion criteria provided. Collection method: clinical testing. Allele origin: germline. Not counted in ClinVar's aggregate classification.
Comment: This variant is classified as likely benign based on ACMG/AMP sequence variant interpretation guidelines (Richards et al. 2015 PMID: 25741868, with internal and published modifications).

NM_000081.4(LYST):c.4221C>T (p.Asn1407=)

Gene: LYST (lysosomal trafficking regulator; minus strand). Cytogenetic location: 1q42.3.
Variant type: single nucleotide variant.
Coding change: c.4221C>T on transcript NM_000081.4 (MANE Select); coding-DNA position 4221, C replaced by T.
Protein change: p.Asn1407=; no amino-acid change (asparagine 1407 retained).
Molecular consequence: synonymous variant.
Genome position (GRCh38, 1-based): chr1:235,792,021, G>A on the plus strand (C>T on the coding strand, the complement: LYST is on the minus strand). VCF-style: chr1-235792021-G-A. GRCh37 (hg19) VCF-style: chr1-235955321-G-A.
Other names: c.4221C>T, p.Asn1407= (NM_001301365.1); c.4221C>T (NM_000081.3).
Identifiers: ClinVar variation 1119001 (VCV001119001.11), dbSNP rs750941523, ClinGen allele CA1466889.
Genomic context (GRCh38, chr1:235,792,021, plus strand): 5'-TCTCAATAAACCCATGGCCTTACTGTTTAAAATCCCAGGATACTTTTGTGATGAAACACC[G>A]TTGCTTAAATTTGGAGCGTGCAGTAAAGGGAAGGTTAGATACTGTGAAGGGCTCATAGTA-3'
Protein context (NP_000072.2, residues 1397-1417): FPLLHAPNLS[Asn1407=]GVSSQKYPGI